The following is an entry in ClinVar:

NM_000377.3(WAS):c.1453+779C>T

Gene: WAS (WASP actin nucleation promoting factor; plus strand). Cytogenetic location: Xp11.23.
Variant type: single nucleotide variant.
Coding change: c.1453+779C>T on transcript NM_000377.3 (MANE Select); 779 bases into the intron after coding-DNA position 1453, C replaced by T.
Molecular consequence: intron variant.
Genome position (GRCh38, 1-based): chrX:48,690,213, C>T. VCF-style: chrX-48690213-C-T. GRCh37 (hg19) VCF-style: chrX-48548603-C-T.
Identifiers: ClinVar variation 3390012 (VCV003390012.14).

ClinVar aggregate classification (germline): Uncertain significance (1 of 4 stars; one submission).

Submission:

CeGaT Center for Human Genetics Tuebingen
Classification: Uncertain significance. Last evaluated: 2024-10-01. Review status: criteria provided, single submitter. Criteria: CeGaT Center For Human Genetics Tuebingen Variant Classification Criteria Version 2. Collection method: clinical testing. Allele origin: germline. Affected: yes. Observed: 1 variant allele.
Comment: WAS: PM2